The following is an entry in ClinVar:

ClinVar aggregate classification (germline): Uncertain significance. Review status: criteria provided, multiple submitters, no conflicts (2 of 4 stars). 2 submissions from 2 submitters: Uncertain significance (2). Last evaluated 2024-10-09.

Conditions:
Anauxetic dysplasia. Identifiers: Orphanet 93347, MedGen C1846796, MONDO:0011773.

Allele frequency attached by ClinVar (database versions not stated): gnomAD 0.00002 and 0.00003; gnomAD exomes 0.00005; ExAC 0.00009.
gnomAD v4.1: 36 of 700,342 alleles (0.0051%); highest among the groups gnomAD compares: Non-Finnish European, 0.0075%; no homozygotes.

Submissions (2):

Blueprint Genetics
Classification: Uncertain significance. Last evaluated: 2024-10-09. Review status: criteria provided, single submitter. Criteria: ACMG Guidelines, 2015. Collection method: clinical testing. Allele origin: germline.

Labcorp Genetics (formerly Invitae), Labcorp
Classification: Uncertain significance for Anauxetic dysplasia. Last evaluated: 2022-09-01. Review status: criteria provided, single submitter. Criteria: Invitae Variant Classification Sherloc (09022015). Collection method: clinical testing. Allele origin: germline.
Comment: This variant occurs in the RMRP gene, which encodes an RNA molecule that does not result in a protein product. This variant is present in population databases (rs767355005, gnomAD 0.01%). This variant has not been reported in the literature in individuals affected with RMRP-related conditions. ClinVar contains an entry for this variant (Variation ID: 1450077). Experimental studies and prediction algorithms are not available or were not evaluated, and the functional significance of this variant is currently unknown. In summary, the available evidence is currently insufficient to determine the role of this variant in disease. Therefore, it has been classified as a Variant of Uncertain Significance.

NC_000009.12:g.35657925C>T

Gene: RMRP (RNA component of mitochondrial RNA processing endoribonuclease; minus strand). Cytogenetic location: 9p13.3.
Variant type: single nucleotide variant.
Genome position: GRCh38 VCF-style: chr9-35657925-C-T. GRCh37 (hg19) VCF-style: chr9-35657922-C-T.
Identifiers: ClinVar variation 1450077 (VCV001450077.4), dbSNP rs767355005, ClinGen allele CA5045851.